The following is an entry in ClinVar:

ClinVar aggregate classification (germline): Uncertain significance (1 of 4 stars; one submission).

Conditions:
Primary ciliary dyskinesia 27. Also called: CILIARY DYSKINESIA, PRIMARY, 27, WITHOUT SITUS INVERSUS. Identifiers: Orphanet 244, MedGen C3809701, MONDO:0014215, OMIM 615504.

Submission:

Labcorp Genetics (formerly Invitae), Labcorp
Classification: Uncertain significance for Primary ciliary dyskinesia 27. Last evaluated: 2016-07-13. Review status: criteria provided, single submitter. Criteria: Invitae Variant Classification Sherloc (09022015). Collection method: clinical testing. Allele origin: germline.
Comment: This sequence change deletes 2 nucleotides from exon 8 of the CCDC65 mRNA (c.1370_1371delTT), causing a frameshift at codon 457. This creates a premature translational stop signal in the last exon of the CCDC65 mRNA (p.Phe457Tyrfs*21). While this is not anticipated to result in nonsense mediated decay, it is expected to result in a truncated CCDC65 protein. This variant is not present in population databases (ExAC no frequency) and has not been reported in the literature in individuals with a CCDC65-related disease. In summary, this variant is a novel truncation near the end of the CCDC65 protein that has uncertain impact on protein function. It has been classified as a Variant of Uncertain Significance.

NM_033124.5(CCDC65):c.1370_1371del (p.Phe457fs)

Gene: CCDC65 (coiled-coil domain containing 65; plus strand). Cytogenetic location: 12q13.12.
Variant type: Deletion.
Coding change: c.1370_1371del on transcript NM_033124.5 (MANE Select); coding-DNA positions 1370 to 1371, 2 bases deleted (TT; older notation c.1370_1371delTT).
Protein change: p.Phe457fs; shifts the reading frame from phenylalanine 457.
Molecular consequence: frameshift variant.
Genome position (GRCh38, 1-based): chr12:48,921,358-48,921,359, TT deleted; deleting any 2 consecutive bases within chr12:48,921,357-48,921,359 gives the same sequence; the c. name uses the placement nearest the transcript's 3' end. VCF-style (leftmost placement, unchanged base first): chr12-48921356-CTT-C. GRCh37 (hg19) VCF-style: chr12-49315139-CTT-C.
Other names: c.941_942del, p.Phe314fs (NM_001286957.2); short protein forms F314fs, F457fs.
Identifiers: ClinVar variation 411133 (VCV000411133.5), dbSNP rs1060503167, ClinGen allele CA16613743.
Genomic context (GRCh38, chr12:48,921,356, plus strand): 5'-GAAGCAGTACTTGGATGGCATCTCAGTGAGTGACGAAGTGCTGAGCCAGCTCAACCCACT[CTT>C]TATAGTCAACTATCAAAGCAACTTACTCCAGCCCTTGTCCATACGTATAGCCCATCCAGG-3'